The following is an entry in ClinVar:

NM_003738.5(PTCH2):c.61G>A (p.Ala21Thr)

Gene: PTCH2 (patched 2; minus strand). Cytogenetic location: 1p34.1.
Variant type: single nucleotide variant.
Coding change: c.61G>A on transcript NM_003738.5 (MANE Select); coding-DNA position 61, G replaced by A.
Protein change: p.Ala21Thr; replaces alanine 21 with threonine.
Molecular consequence: missense variant.
Genome position (GRCh38, 1-based): chr1:44,842,872, C>T on the plus strand (G>A on the coding strand, the complement: PTCH2 is on the minus strand). VCF-style: chr1-44842872-C-T. GRCh37 (hg19) VCF-style: chr1-45308544-C-T.
Other names: c.61G>A, p.Ala21Thr (NM_001166292.2); c.61G>A (NM_003738.4); short protein forms A21T.
Identifiers: ClinVar variation 2894261 (VCV002894261.4), dbSNP rs534430301, ClinGen allele CA823754.

ClinVar aggregate classification (germline): Uncertain significance. Review status: criteria provided, multiple submitters, no conflicts (2 of 4 stars). 2 submissions from 2 submitters: Uncertain significance (2). Last evaluated 2024-03-18.

Conditions:
Gorlin syndrome. Also called: Nevoid Basal Cell Carcinoma Syndrome; Basal cell nevus syndrome. Identifiers: Orphanet 377, MedGen C0004779, MONDO:0007187.

Allele frequency attached by ClinVar (database versions not stated): gnomAD exomes 0.00001; TOPMed 0.00005; gnomAD 0.00001.

Submissions (2):

Labcorp Genetics (formerly Invitae), Labcorp
Classification: Uncertain significance for Gorlin syndrome. Last evaluated: 2024-03-18. Review status: criteria provided, single submitter. Criteria: Invitae Variant Classification Sherloc (09022015). Collection method: clinical testing. Allele origin: germline.
Comment: This sequence change replaces alanine, which is neutral and non-polar, with threonine, which is neutral and polar, at codon 21 of the PTCH2 protein (p.Ala21Thr). The frequency data for this variant in the population databases is considered unreliable, as metrics indicate poor data quality at this position in the gnomAD database. This variant has not been reported in the literature in individuals affected with PTCH2-related conditions. Algorithms developed to predict the effect of missense changes on protein structure and function output the following: SIFT: "Not Available"; PolyPhen-2: "Benign"; Align-GVGD: "Not Available". The threonine amino acid residue is found in multiple mammalian species, which suggests that this missense change does not adversely affect protein function. In summary, the available evidence is currently insufficient to determine the role of this variant in disease. Therefore, it has been classified as a Variant of Uncertain Significance.

Ambry Genetics
Classification: Uncertain significance. Last evaluated: 2023-10-02. Review status: criteria provided, single submitter. Criteria: Ambry Variant Classification Scheme 2023. Collection method: clinical testing. Allele origin: germline.